The following is an entry in ClinVar:

NM_001378328.1(CELSR1):c.5533A>G (p.Arg1845Gly)

Gene: CELSR1 (cadherin EGF LAG seven-pass G-type receptor 1; minus strand). Cytogenetic location: 22q13.31.
Variant type: single nucleotide variant.
Coding change: c.5533A>G on transcript NM_001378328.1 (MANE Select); coding-DNA position 5533, A replaced by G.
Protein change: p.Arg1845Gly; replaces arginine 1845 with glycine.
Molecular consequence: missense variant.
Genome position (GRCh38, 1-based): chr22:46,397,842, T>C on the plus strand (A>G on the coding strand, the complement: CELSR1 is on the minus strand). VCF-style: chr22-46397842-T-C. GRCh37 (hg19) VCF-style: chr22-46793739-T-C.
Other names: c.5533A>G, p.Arg1845Gly (NM_014246.4); short protein forms R1845G.
Identifiers: ClinVar variation 2504398 (VCV002504398.2), dbSNP rs1195371075, ClinGen allele CA411947071.

ClinVar aggregate classification (germline): Uncertain significance (1 of 4 stars; one submission).

Allele frequency attached by ClinVar (database versions not stated): gnomAD exomes below 0.00001; TOPMed 0.00001.
gnomAD v4.1: 2 of 1,566,640 alleles (0.00013%); highest among the groups gnomAD compares: Non-Finnish European, 0.00017%; no homozygotes.

Submission:

GeneDx
Classification: Uncertain significance. Last evaluated: 2025-04-30. Review status: criteria provided, single submitter. Criteria: GeneDx Variant Classification Process June 2021. Collection method: clinical testing. Allele origin: germline. Affected: yes.
Comment: Not observed at significant frequency in large population cohorts (gnomAD); In silico analysis supports that this missense variant has a deleterious effect on protein structure/function; Has not been previously published as pathogenic or benign to our knowledge; In silico analysis is inconclusive as to whether the variant alters gene splicing. In the absence of RNA/functional studies, the actual effect of this sequence change is unknown.